The following is an entry in ClinVar:

NM_000388.4(CASR):c.1936A>G (p.Thr646Ala)

Gene: CASR (calcium sensing receptor; plus strand). Cytogenetic location: 3q21.1.
Variant type: single nucleotide variant.
Coding change: c.1936A>G on transcript NM_000388.4 (MANE Select); coding-DNA position 1936, A replaced by G.
Protein change: p.Thr646Ala; replaces threonine 646 with alanine.
Molecular consequence: missense variant.
Genome position (GRCh38, 1-based): chr3:122,283,890, A>G. VCF-style: chr3-122283890-A-G. GRCh37 (hg19) VCF-style: chr3-122002737-A-G.
Other names: c.1966A>G, p.Thr656Ala (NM_001178065.2); short protein forms T646A, T656A.
Identifiers: ClinVar variation 1477043 (VCV001477043.8), dbSNP rs200113544, ClinGen allele CA82748631.

ClinVar aggregate classification (germline): Uncertain significance (1 of 4 stars; one submission).

Conditions:
Autosomal dominant hypocalcemia 1 (HYPOC1). Also called: HYPOCALCEMIA, FAMILIAL. Identifiers: MedGen C3715128, MONDO:0011013, OMIM 601198.
Familial hypocalciuric hypercalcemia (FHH). Also called: Familial benign hypercalcemia. Identifiers: Orphanet 405, MedGen C1809471, MONDO:0018458.

Submission:

Labcorp Genetics (formerly Invitae), Labcorp
Classification: Uncertain significance for Familial hypocalciuric hypercalcemia; Autosomal dominant hypocalcemia 1. Last evaluated: 2021-07-22. Review status: criteria provided, single submitter. Criteria: Invitae Variant Classification Sherloc (09022015). Collection method: clinical testing. Allele origin: germline.
Comment: Algorithms developed to predict the effect of missense changes on protein structure and function are either unavailable or do not agree on the potential impact of this missense change (SIFT: "Deleterious"; PolyPhen-2: "Possibly Damaging"; Align-GVGD: "Class C0"). In summary, the available evidence is currently insufficient to determine the role of this variant in disease. Therefore, it has been classified as a Variant of Uncertain Significance. This variant has not been reported in the literature in individuals affected with CASR-related conditions. This variant is not present in population databases (ExAC no frequency). This sequence change replaces threonine with alanine at codon 646 of the CASR protein (p.Thr646Ala). The threonine residue is highly conserved and there is a small physicochemical difference between threonine and alanine.